The following is an entry in ClinVar:

ClinVar aggregate classification (germline): Uncertain significance (1 of 4 stars; one submission).

Conditions:
Charcot-Marie-Tooth disease axonal type 2Z. Also called: CHARCOT-MARIE-TOOTH DISEASE, AXONAL, AUTOSOMAL DOMINANT, TYPE 2Z; CHARCOT-MARIE-TOOTH NEUROPATHY, TYPE 2Z. Identifiers: Orphanet 466768, MedGen C5569025, MONDO:0014736, OMIM 616688.

Allele frequency attached by ClinVar (database versions not stated): gnomAD exomes below 0.00001; ExAC 0.00001.
gnomAD v4.1: 1 of 1,614,010 alleles (0.000062%); highest among the groups gnomAD compares: Non-Finnish European, 0.000085%; no homozygotes.

Submission:

Labcorp Genetics (formerly Invitae), Labcorp
Classification: Uncertain significance for Charcot-Marie-Tooth disease axonal type 2Z. Last evaluated: 2025-03-18. Review status: criteria provided, single submitter. Criteria: Invitae Variant Classification Sherloc (09022015). Collection method: clinical testing. Allele origin: germline.
Comment: This sequence change replaces proline, which is neutral and non-polar, with threonine, which is neutral and polar, at codon 637 of the MORC2 protein (p.Pro637Thr). This variant is present in population databases (rs777740636, gnomAD 0.0009%). This missense change has been observed in individual(s) with clinical features of MORC2-related conditions (internal data). ClinVar contains an entry for this variant (Variation ID: 1477693). Invitae Evidence Modeling of protein sequence and biophysical properties (such as structural, functional, and spatial information, amino acid conservation, physicochemical variation, residue mobility, and thermodynamic stability) indicates that this missense variant is not expected to disrupt MORC2 protein function with a negative predictive value of 95%. In summary, the available evidence is currently insufficient to determine the role of this variant in disease. Therefore, it has been classified as a Variant of Uncertain Significance.

NM_001303256.3(MORC2):c.1909C>A (p.Pro637Thr)

Gene: MORC2 (MORC family CW-type zinc finger 2; minus strand). Cytogenetic location: 22q12.2.
Variant type: single nucleotide variant.
Coding change: c.1909C>A on transcript NM_001303256.3 (MANE Select); coding-DNA position 1909, C replaced by A.
Protein change: p.Pro637Thr; replaces proline 637 with threonine.
Molecular consequence: missense variant.
Genome position (GRCh38, 1-based): chr22:30,935,065, G>T on the plus strand (C>A on the coding strand, the complement: MORC2 is on the minus strand). VCF-style: chr22-30935065-G-T. GRCh37 (hg19) VCF-style: chr22-31331052-G-T.
Other names: c.1909C>A, p.Pro637Thr (NM_001303257.2); c.1723C>A, p.Pro575Thr (NM_014941.3); short protein forms P637T, P575T.
Identifiers: ClinVar variation 1477693 (VCV001477693.8), dbSNP rs777740636, ClinGen allele CA10186806.